The following is an entry in ClinVar:

NM_007332.3(TRPA1):c.1539T>C (p.Asn513=)

Genes: MSC-AS1 (MSC antisense RNA 1; plus strand), TRPA1 (transient receptor potential cation channel subfamily A member 1; minus strand). Cytogenetic location: 8q21.11.
Variant type: single nucleotide variant.
Coding change: c.1539T>C on transcript NM_007332.3 (MANE Select); coding-DNA position 1539, T replaced by C.
Protein change: p.Asn513=; no amino-acid change (asparagine 513 retained).
Molecular consequence: synonymous variant. On other transcripts: non-coding transcript variant (2).
Genome position (GRCh38, 1-based): chr8:72,053,858, A>G on the plus strand (T>C on the coding strand, the complement: TRPA1 is on the minus strand). VCF-style: chr8-72053858-A-G. GRCh37 (hg19) VCF-style: chr8-72966093-A-G.
Identifiers: ClinVar variation 1013582 (VCV001013582.38), dbSNP rs755149414, ClinGen allele CA4780868.
Genomic context (GRCh38, chr8:72,053,858, plus strand): 5'-AATGACCTTCATGGTCTGAGTGTACCCGCCCATGGACGCATGATGCAAAGCTGTCCAGCC[A>G]TTGTGGTCACTGGTAAAGAGTTAAGAAAAGATGTGTGCATACACTTAACAGATGAAATGC-3'
Protein context (NP_015628.2, residues 503-523): KKGALFLSDH[Asn513=]GWTALHHASM

ClinVar aggregate classification (germline): Likely benign (1 of 4 stars; one submission).

Allele frequency attached by ClinVar (database versions not stated): ExAC 0.00010; gnomAD exomes 0.00011 and 0.00014; gnomAD 0.00012 and 0.00013; TOPMed 0.00013.
gnomAD v4.1: 219 of 1,610,988 alleles (0.014%); highest among the groups gnomAD compares: Admixed American, 0.017%; no homozygotes.

Submission:

CeGaT Center for Human Genetics Tuebingen
Classification: Likely benign. Last evaluated: 2024-02-01. Review status: criteria provided, single submitter. Criteria: CeGaT Center For Human Genetics Tuebingen Variant Classification Criteria Version 2. Collection method: clinical testing. Allele origin: germline. Affected: yes. Observed: 2 variant alleles.
Comment: TRPA1: BP4, BS1